The following is an entry in ClinVar:

ClinVar aggregate classification (germline): Likely pathogenic (1 of 4 stars; one submission).

Conditions:
Osteogenesis imperfecta type I (OI1). Also called: Lobstein disease; OI, TYPE I; OSTEOGENESIS IMPERFECTA TARDA; OSTEOGENESIS IMPERFECTA WITH BLUE SCLERAE; Osteogenesis imperfecta type 1; Lobstein's Disease. Identifiers: Orphanet 216796, Orphanet 666, MedGen C0023931, MONDO:0008146, OMIM 166200. Disease mechanism: loss of function.
Ehlers-Danlos syndrome, classic type, 1 (EDSCL1). Also called: EDS I; EHLERS-DANLOS SYNDROME, GRAVIS TYPE; EHLERS-DANLOS SYNDROME, SEVERE CLASSIC TYPE; Ehlers-Danlos syndrome, type 1; Ehlers-Danlos Syndrome, Classic Type, COL5A1-Related. Identifiers: MedGen C0268335, MONDO:0019567, OMIM 130000.

Submission:

Labcorp Genetics (formerly Invitae), Labcorp
Classification: Likely pathogenic for Osteogenesis imperfecta type I; Ehlers-Danlos syndrome, classic type, 1. Last evaluated: 2024-01-18. Review status: criteria provided, single submitter. Criteria: Invitae Variant Classification Sherloc (09022015). Collection method: clinical testing. Allele origin: germline.
Comment: This sequence change replaces glycine, which is neutral and non-polar, with cysteine, which is neutral and slightly polar, at codon 478 of the COL1A2 protein (p.Gly478Cys). This variant is not present in population databases (gnomAD no frequency). This variant has not been reported in the literature in individuals affected with COL1A2-related conditions. Advanced modeling of protein sequence and biophysical properties (such as structural, functional, and spatial information, amino acid conservation, physicochemical variation, residue mobility, and thermodynamic stability) performed at Invitae indicates that this missense variant is expected to disrupt COL1A2 protein function with a positive predictive value of 95%. This variant disrupts the triple helix domain of COL1A2. Glycine residues within the Gly-Xaa-Yaa repeats of the triple helix domain are required for the structure and stability of fibrillar collagens (PMID: 7695699, 8218237, 19344236). In COL1A2, variants affecting these glycine residues are significantly enriched in individuals with disease (PMID: 9016532, 17078022) compared to the general population (ExAC). This variant disrupts the p.Gly478 amino acid residue in COL1A2. Other variant(s) that disrupt this residue have been observed in individuals with COL1A2-related conditions (PMID: 17078022, 33942288), which suggests that this may be a clinically significant amino acid residue. In summary, the currently available evidence indicates that the variant is pathogenic, but additional data are needed to prove that conclusively. Therefore, this variant has been classified as Likely Pathogenic.

Literature cited by the submitters: PubMed 7695699; PubMed 8218237; PubMed 19344236; PubMed 9016532; PubMed 17078022; PubMed 33942288.

NM_000089.4(COL1A2):c.1432G>T (p.Gly478Cys)

Gene: COL1A2 (collagen type I alpha 2 chain; plus strand). Cytogenetic location: 7q21.3.
Variant type: single nucleotide variant.
Coding change: c.1432G>T on transcript NM_000089.4 (MANE Select); coding-DNA position 1432, G replaced by T.
Protein change: p.Gly478Cys; replaces glycine 478 with cysteine.
Molecular consequence: missense variant.
Genome position (GRCh38, 1-based): chr7:94,412,611, G>T. VCF-style: chr7-94412611-G-T. GRCh37 (hg19) VCF-style: chr7-94041923-G-T.
Other names: short protein forms G478C.
Identifiers: ClinVar variation 2922279 (VCV002922279.3), dbSNP rs2484713609, ClinGen allele CA368221844.